The following is an entry in ClinVar:

NM_001244008.2(KIF1A):c.4194G>T (p.Lys1398Asn)

Gene: KIF1A (kinesin family member 1A; minus strand). Cytogenetic location: 2q37.3.
Variant type: single nucleotide variant.
Coding change: c.4194G>T on transcript NM_001244008.2 (MANE Select); coding-DNA position 4194, G replaced by T.
Protein change: p.Lys1398Asn; replaces lysine 1398 with asparagine.
Molecular consequence: missense variant.
Genome position (GRCh38, 1-based): chr2:240,725,333, C>A on the plus strand (G>T on the coding strand, the complement: KIF1A is on the minus strand). VCF-style: chr2-240725333-C-A. GRCh37 (hg19) VCF-style: chr2-241664750-C-A.
Other names: c.3918G>T, p.Lys1306Asn (NM_001320705.2, NM_001379649.1); c.3945G>T, p.Lys1315Asn (NM_001330289.2); c.3993G>T, p.Lys1331Asn (NM_001330290.2, NM_001379648.1); c.4269G>T, p.Lys1423Asn (NM_001379631.1); c.4170G>T, p.Lys1390Asn (NM_001379632.1); c.4167G>T, p.Lys1389Asn (NM_001379633.1, NM_001379645.1); c.4020G>T, p.Lys1340Asn (NM_001379634.1); c.4017G>T, p.Lys1339Asn (NM_001379635.1, NM_001379646.1); and 7 more; short protein forms K1306N, K1314N, K1322N, K1335N, K1339N, K1389N, K1423N, K1340N.
Identifiers: ClinVar variation 1043668 (VCV001043668.10), dbSNP rs745612845, ClinGen allele CA2207469.

ClinVar aggregate classification (germline): Conflicting classifications of pathogenicity. Review status: criteria provided, conflicting classifications (1 of 4 stars). 2 submissions from 2 submitters: Uncertain significance (1); Likely benign (1). Last evaluated 2022-10-31.

Conditions:
Neuropathy, hereditary sensory, type 2C. Also called: Hereditary sensory and autonomic neuropathy type IIC; KIF1A-Related HSAN2 (HSAN2C). Identifiers: Orphanet 970, MedGen C3280168, MONDO:0013634, OMIM 614213.
Intellectual disability, autosomal dominant 9 (NESCAVS). Also called: KIF1A-Related Neurodevelopmental Disorder; NESCAV SYNDROME. Identifiers: Orphanet 662367, MedGen C5393830, MONDO:0013656, OMIM 614255.
Hereditary spastic paraplegia 30. Identifiers: Orphanet 101010, MedGen C5235139, MONDO:0012476.

Allele frequency attached by ClinVar (database versions not stated): gnomAD 0.00001; gnomAD exomes 0.00001 and 0.00002; ExAC 0.00002; TOPMed 0.00002.
gnomAD v4.1: 17 of 1,611,628 alleles (0.0011%); highest among the groups gnomAD compares: African/African-American, 0.0013%; 1 homozygote.

Submissions (2):

GeneDx
Classification: Uncertain significance. Last evaluated: 2022-10-31. Review status: criteria provided, single submitter. Criteria: GeneDx Variant Classification Process June 2021. Collection method: clinical testing. Allele origin: germline. Affected: yes.
Comment: In silico analysis supports that this missense variant has a deleterious effect on protein structure/function; Has not been previously published as pathogenic or benign to our knowledge

Labcorp Genetics (formerly Invitae), Labcorp
Classification: Likely benign for Hereditary spastic paraplegia 30; Neuropathy, hereditary sensory, type 2C; Intellectual disability, autosomal dominant 9. Last evaluated: 2022-08-23. Review status: criteria provided, single submitter. Criteria: Invitae Variant Classification Sherloc (09022015). Collection method: clinical testing. Allele origin: germline.